The following is an entry in ClinVar:

NM_021614.4(KCNN2):c.1851C>T (p.His617=)

Genes: KCNN2 (potassium calcium-activated channel subfamily N member 2; plus strand), KCNN2-AS1 (KCNN2 antisense RNA 1; minus strand). Cytogenetic location: 5q22.3.
Variant type: single nucleotide variant.
Coding change: c.1851C>T on transcript NM_021614.4 (MANE Select); coding-DNA position 1851, C replaced by T.
Protein change: p.His617=; no amino-acid change (histidine 617 retained).
Molecular consequence: synonymous variant. On other transcripts: non-coding transcript variant (2).
Genome position (GRCh38, 1-based): chr5:114,473,125, C>T. VCF-style: chr5-114473125-C-T. GRCh37 (hg19) VCF-style: chr5-113808822-C-T.
Other names: c.2049C>T, p.His683= (NM_001372233.1); c.171C>T, p.His57= (NM_170775.3).
Identifiers: ClinVar variation 5041339 (VCV005041339.1).

ClinVar aggregate classification (germline): Likely benign (1 of 4 stars; one submission).

gnomAD v4.1: 51 of 1,611,384 alleles (0.0032%); highest among the groups gnomAD compares: South Asian, 0.049%; no homozygotes.

Submission:

CeGaT Center for Human Genetics Tuebingen
Classification: Likely benign. Last evaluated: 2026-09-01. Review status: criteria provided, single submitter. Criteria: CeGaT Center For Human Genetics Tuebingen Variant Classification Criteria Version 2. Collection method: clinical testing. Allele origin: germline. Affected: yes. Observed: 1 variant allele.
Comment: KCNN2: BP4, BP7